The following is an entry in ClinVar:

ClinVar aggregate classification (germline): Uncertain significance. Review status: criteria provided, multiple submitters, no conflicts (2 of 4 stars). 8 submissions from 8 submitters: Uncertain significance (7). 1 of the submissions does not count toward it. Last evaluated 2025-11-05.

Conditions:
Familial cancer of breast. Also called: Hereditary breast cancer; hereditary breast carcinoma; BREAST CANCER, FAMILIAL. Identifiers: Orphanet 227535, MedGen C0346153, MONDO:0016419, OMIM 114480. Disease mechanism: loss of function.
Hereditary cancer-predisposing syndrome. Also called: Hereditary neoplastic syndrome; Neoplastic Syndromes, Hereditary; Tumor predisposition; Hereditary Cancer Syndrome. Identifiers: Orphanet 140162, MedGen C0027672, MeSH D009386, MONDO:0015356.
Ataxia-telangiectasia syndrome (AT). Also called: Ataxia telangiectasia (A-T); LOUIS-BAR SYNDROME; Cerebello-oculocutaneous telangiectasia; Immunodeficiency with ataxia telangiectasia; Ataxia-telangiectasia, complementation group D; AT, COMPLEMENTATION GROUP C. Identifiers: Orphanet 100, MedGen C0004135, MONDO:0008840, OMIM 208900.

Allele frequency attached by ClinVar (database versions not stated): gnomAD exomes 0.00001; TOPMed 0.00001.
gnomAD v4.1: 7 of 1,613,898 alleles (0.00043%); highest among the groups gnomAD compares: Non-Finnish European, 0.00059%; no homozygotes.

Submissions (8):

Labcorp Genetics (formerly Invitae), Labcorp
Classification: Uncertain significance for Ataxia-telangiectasia syndrome. Last evaluated: 2025-11-05. Review status: criteria provided, single submitter. Criteria: Invitae Variant Classification Sherloc (09022015). Collection method: clinical testing. Allele origin: germline.
Comment: This sequence change replaces alanine, which is neutral and non-polar, with threonine, which is neutral and polar, at codon 1512 of the ATM protein (p.Ala1512Thr). This variant is not present in population databases (gnomAD no frequency). This missense change has been observed in individual(s) with colon cancer (PMID: 27978560). ClinVar contains an entry for this variant (Variation ID: 407648). Invitae Evidence Modeling of protein sequence and biophysical properties (such as structural, functional, and spatial information, amino acid conservation, physicochemical variation, residue mobility, and thermodynamic stability) indicates that this missense variant is not expected to disrupt ATM protein function with a negative predictive value of 95%. In summary, the available evidence is currently insufficient to determine the role of this variant in disease. Therefore, it has been classified as a Variant of Uncertain Significance.

Ambry Genetics
Classification: Uncertain significance for Hereditary cancer-predisposing syndrome. Last evaluated: 2024-09-22. Review status: criteria provided, single submitter. Criteria: Ambry Variant Classification Scheme 2023. Collection method: clinical testing. Allele origin: germline.
Comment: The p.A1512T variant (also known as c.4534G>A), located in coding exon 29 of the ATM gene, results from a G to A substitution at nucleotide position 4534. The alanine at codon 1512 is replaced by threonine, an amino acid with similar properties. This alteration has been previously identified in an individual from a North American cohort of individuals with early onset colon cancer (Pearlman R et al. JAMA Oncol, 2017 Apr;3:464-471). This alteration was also detected in cohort of 118 individuals with features suggestive of inherited renal cell carcinoma (Smith PS et al. Genes Chromosomes Cancer, 2021 01;60:5-16). This amino acid position is highly conserved in available vertebrate species. In addition, the in silico prediction for this alteration is inconclusive. Based on the available evidence, the clinical significance of this variant remains unclear.

Baylor Genetics
Classification: Uncertain significance for Familial cancer of breast. Last evaluated: 2023-11-26. Review status: criteria provided, single submitter. Criteria: ACMG Guidelines, 2015. Collection method: clinical testing. Allele origin: unknown.

GeneDx
Classification: Uncertain significance. Last evaluated: 2022-12-08. Review status: criteria provided, single submitter. Criteria: GeneDx Variant Classification Process June 2021. Collection method: clinical testing. Allele origin: germline. Affected: yes.
Comment: In silico analysis supports that this missense variant does not alter protein structure/function; Not observed at significant frequency in large population cohorts (gnomAD); Observed in individuals with rectal or renal cancer (Pearlman et al., 2017; Smith et al., 2021); This variant is associated with the following publications: (PMID: 32009247, 32830346, 27978560)

Color Diagnostics, LLC DBA Color Health
Classification: Uncertain significance for Hereditary cancer-predisposing syndrome. Last evaluated: 2022-05-31. Review status: criteria provided, single submitter. Criteria: ACMG Guidelines, 2015. Collection method: clinical testing. Allele origin: germline.
Comment: This missense variant replaces alanine with threonine at codon 1512 of the ATM protein. Computational prediction suggests that this variant may not impact protein structure and function (internally defined REVEL score threshold <= 0.5, PMID: 27666373). To our knowledge, functional studies have not been reported for this variant. This variant has been reported in an individual affected with breast cancer (PMID: 33471991) and an individual affected with colorectal cancer (PMID: 27978560). This variant has not been identified in the general population by the Genome Aggregation Database (gnomAD). The available evidence is insufficient to determine the role of this variant in disease conclusively. Therefore, this variant is classified as a Variant of Uncertain Significance.

Mendelics
Classification: Uncertain significance. Last evaluated: 2022-05-04. Review status: criteria provided, single submitter. Criteria: Mendelics Assertion Criteria 2019. Collection method: clinical testing. Allele origin: germline.

Athena Diagnostics
Classification: Uncertain significance. Last evaluated: 2019-05-24. Review status: criteria provided, single submitter. Criteria: Athena Diagnostics Criteria. Collection method: clinical testing. Allele origin: germline.

Counsyl
Classification: Uncertain significance for Ataxia-telangiectasia syndrome. Last evaluated: 2018-02-21. Review status: no assertion criteria provided. Collection method: clinical testing. Allele origin: unknown. Not counted in ClinVar's aggregate classification.

Literature cited by the submitters: PubMed 27978560 (cited by 3 submitters); PubMed 32830346 (cited by Ambry Genetics); PubMed 33471991 (cited by Color Diagnostics, LLC DBA Color Health).

NM_000051.4(ATM):c.4534G>A (p.Ala1512Thr)

Gene: ATM (ATM serine/threonine kinase; plus strand). Cytogenetic location: 11q22.3.
Variant type: single nucleotide variant.
Coding change: c.4534G>A on transcript NM_000051.4 (MANE Select); coding-DNA position 4534, G replaced by A.
Protein change: p.Ala1512Thr; replaces alanine 1512 with threonine.
Molecular consequence: missense variant.
Genome position (GRCh38, 1-based): chr11:108,292,716, G>A. VCF-style: chr11-108292716-G-A. GRCh37 (hg19) VCF-style: chr11-108163443-G-A.
Other names: c.4534G>A, p.Ala1512Thr (NM_001351834.2); short protein forms A1512T.
Identifiers: ClinVar variation 407648 (VCV000407648.27), dbSNP rs1060501653, ClinGen allele CA16613146.